The following is an entry in ClinVar:

ClinVar aggregate classification (germline): Benign. Review status: criteria provided, multiple submitters, no conflicts (2 of 4 stars). 3 submissions from 3 submitters: Benign (2). 1 of the submissions does not count toward it. Last evaluated 2019-12-31.

Conditions:
NFASC-related disorder. Also called: NFASC-related condition.

Allele frequency attached by ClinVar (database versions not stated): gnomAD exomes 0.00270 and 0.00649; ExAC 0.00763; gnomAD 0.02150 and 0.02301; 1000 Genomes Project 30x 0.02295; 1000 Genomes Project 0.02316; TOPMed 0.02489; ESP Exome Variant Server 0.02583.
gnomAD v4.1: 7,485 of 1,614,212 alleles (0.46%); highest among the groups gnomAD compares: African/African-American, 7.1%; 235 homozygotes.

Submissions (3):

Labcorp Genetics (formerly Invitae), Labcorp
Classification: Benign. Last evaluated: 2019-12-31. Review status: criteria provided, single submitter. Criteria: Invitae Variant Classification Sherloc (09022015). Collection method: clinical testing. Allele origin: germline.

Breakthrough Genomics
Classification: Benign. Review status: criteria provided, single submitter. Criteria: ACMG Guidelines, 2015. Collection method: not provided. Allele origin: germline. Inheritance: Autosomal recessive inheritance. Affected: yes.

PreventionGenetics, part of Exact Sciences
Classification: Benign for NFASC-related condition. Last evaluated: 2019-03-29. Review status: no assertion criteria provided. Collection method: clinical testing. Allele origin: germline. Not counted in ClinVar's aggregate classification.
Comment: This variant is classified as benign based on ACMG/AMP sequence variant interpretation guidelines (Richards et al. 2015 PMID: 25741868, with internal and published modifications).

NM_001005388.3(NFASC):c.1509C>T (p.Ala503=)

Gene: NFASC (neurofascin; plus strand). Cytogenetic location: 1q32.1.
Variant type: single nucleotide variant.
Coding change: c.1509C>T on transcript NM_001005388.3 (MANE Select); coding-DNA position 1509, C replaced by T.
Protein change: p.Ala503=; no amino-acid change (alanine 503 retained).
Molecular consequence: synonymous variant. On other transcripts: non-coding transcript variant (1).
Genome position (GRCh38, 1-based): chr1:204,974,774, C>T. VCF-style: chr1-204974774-C-T. GRCh37 (hg19) VCF-style: chr1-204943902-C-T.
Other names: c.1509C>T, p.Ala503= (NM_001005389.2, NM_001378329.1); c.1542C>T, p.Ala514= (NM_001160331.2, NM_001160332.2, NM_001365986.1 and 3 more transcripts); c.1491C>T, p.Ala497= (NM_001160333.2); c.1509C>T (NM_001005388.2).
Identifiers: ClinVar variation 777984 (VCV000777984.7), dbSNP rs16854838, ClinGen allele CA1349958.